The following is an entry in ClinVar:

NM_177438.3(DICER1):c.4882A>G (p.Ser1628Gly)

Gene: DICER1 (dicer 1, ribonuclease III; minus strand). Cytogenetic location: 14q32.13.
Variant type: single nucleotide variant.
Coding change: c.4882A>G on transcript NM_177438.3 (MANE Select); coding-DNA position 4882, A replaced by G.
Protein change: p.Ser1628Gly; replaces serine 1628 with glycine.
Molecular consequence: missense variant. On other transcripts: non-coding transcript variant (6).
Genome position (GRCh38, 1-based): chr14:95,096,038, T>C on the plus strand (A>G on the coding strand, the complement: DICER1 is on the minus strand). VCF-style: chr14-95096038-T-C. GRCh37 (hg19) VCF-style: chr14-95562375-T-C.
Other names: c.4882A>G, p.Ser1628Gly (NM_001195573.1, NM_001271282.3, NM_001291628.2 and 13 more transcripts); c.4600A>G, p.Ser1534Gly (NM_001395686.1); c.4477A>G, p.Ser1493Gly (NM_001395687.1, NM_001395688.1, NM_001395689.1 and 2 more transcripts); c.4315A>G, p.Ser1439Gly (NM_001395691.1); c.3199A>G, p.Ser1067Gly (NM_001395697.1); short protein forms S1067G, S1534G, S1628G, S1439G, S1493G.
Identifiers: ClinVar variation 1934014 (VCV001934014.7), dbSNP rs748079162, ClinGen allele CA7330779.

ClinVar aggregate classification (germline): Conflicting classifications of pathogenicity. Review status: criteria provided, conflicting classifications (1 of 4 stars). 2 submissions from 2 submitters: Uncertain significance (1); Likely benign (1). Last evaluated 2025-09-28.

Conditions:
DICER1-related tumor predisposition. Also called: DICER1-related pleuropulmonary blastoma cancer predisposition syndrome; DICER1 syndrome. Identifiers: Orphanet 284343, MedGen C3839822, MONDO:0100216.
Hereditary cancer-predisposing syndrome. Also called: Neoplastic Syndromes, Hereditary; Hereditary neoplastic syndrome; Tumor predisposition; Hereditary Cancer Syndrome. Identifiers: Orphanet 140162, MedGen C0027672, MeSH D009386, MONDO:0015356.

Allele frequency attached by ClinVar (database versions not stated): ExAC 0.00001.

Submissions (2):

Labcorp Genetics (formerly Invitae), Labcorp
Classification: Uncertain significance for DICER1-related tumor predisposition. Last evaluated: 2025-09-28. Review status: criteria provided, single submitter. Criteria: Invitae Variant Classification Sherloc (09022015). Collection method: clinical testing. Allele origin: germline.
Comment: This sequence change replaces serine, which is neutral and polar, with glycine, which is neutral and non-polar, at codon 1628 of the DICER1 protein (p.Ser1628Gly). This variant is not present in population databases (gnomAD no frequency). This variant has not been reported in the literature in individuals affected with DICER1-related conditions. ClinVar contains an entry for this variant (Variation ID: 1934014). Invitae Evidence Modeling of protein sequence and biophysical properties (such as structural, functional, and spatial information, amino acid conservation, physicochemical variation, residue mobility, and thermodynamic stability) indicates that this missense variant is not expected to disrupt DICER1 protein function with a negative predictive value of 95%. In summary, the available evidence is currently insufficient to determine the role of this variant in disease. Therefore, it has been classified as a Variant of Uncertain Significance.

Ambry Genetics
Classification: Likely benign for Hereditary cancer-predisposing syndrome. Last evaluated: 2023-02-27. Review status: criteria provided, single submitter. Criteria: Ambry Variant Classification Scheme 2023. Collection method: clinical testing. Allele origin: germline.